The following is an entry in ClinVar:

NM_005732.4(RAD50):c.2996A>G (p.Glu999Gly)

Gene: RAD50 (RAD50 double strand break repair protein; plus strand). Cytogenetic location: 5q31.1.
Variant type: single nucleotide variant.
Coding change: c.2996A>G on transcript NM_005732.4 (MANE Select); coding-DNA position 2996, A replaced by G.
Protein change: p.Glu999Gly; replaces glutamic acid 999 with glycine.
Molecular consequence: missense variant.
Genome position (GRCh38, 1-based): chr5:132,609,356, A>G. VCF-style: chr5-132609356-A-G. GRCh37 (hg19) VCF-style: chr5-131945048-A-G.
Other names: short protein forms E999G.
Identifiers: ClinVar variation 1508460 (VCV001508460.8), dbSNP rs1581004918, ClinGen allele CA360960794.

ClinVar aggregate classification (germline): Uncertain significance. Review status: criteria provided, multiple submitters, no conflicts (2 of 4 stars). 2 submissions from 2 submitters: Uncertain significance (2). Last evaluated 2022-01-23.

Conditions:
Hereditary cancer-predisposing syndrome. Also called: Hereditary neoplastic syndrome; Neoplastic Syndromes, Hereditary; Tumor predisposition; Hereditary Cancer Syndrome. Identifiers: Orphanet 140162, MedGen C0027672, MeSH D009386, MONDO:0015356.

Submissions (2):

Labcorp Genetics (formerly Invitae), Labcorp
Classification: Uncertain significance for Hereditary cancer-predisposing syndrome. Last evaluated: 2022-01-23. Review status: criteria provided, single submitter. Criteria: Invitae Variant Classification Sherloc (09022015). Collection method: clinical testing. Allele origin: germline.
Comment: This sequence change replaces glutamic acid, which is acidic and polar, with glycine, which is neutral and non-polar, at codon 999 of the RAD50 protein (p.Glu999Gly). This variant is not present in population databases (gnomAD no frequency). In summary, the available evidence is currently insufficient to determine the role of this variant in disease. Therefore, it has been classified as a Variant of Uncertain Significance. Algorithms developed to predict the effect of missense changes on protein structure and function (SIFT, PolyPhen-2, Align-GVGD) all suggest that this variant is likely to be tolerated. This variant has not been reported in the literature in individuals affected with RAD50-related conditions.

Ambry Genetics
Classification: Uncertain significance for Hereditary cancer-predisposing syndrome. Last evaluated: 2020-03-26. Review status: criteria provided, single submitter. Criteria: Ambry Variant Classification Scheme 2023. Collection method: clinical testing. Allele origin: germline.
Comment: The p.E999G variant (also known as c.2996A>G), located in coding exon 19 of the RAD50 gene, results from an A to G substitution at nucleotide position 2996. The glutamic acid at codon 999 is replaced by glycine, an amino acid with similar properties. This amino acid position is poorly conserved in available vertebrate species. In addition, this alteration is predicted to be tolerated by in silico analysis. Since supporting evidence is limited at this time, the clinical significance of this alteration remains unclear.